The following is an entry in ClinVar:

ClinVar aggregate classification (germline): Pathogenic. Review status: criteria provided, multiple submitters, no conflicts (2 of 4 stars). 3 submissions from 3 submitters: Pathogenic (3). Last evaluated 2026-01-08.

Conditions:
Hereditary cancer-predisposing syndrome. Also called: Tumor predisposition; Neoplastic Syndromes, Hereditary; Hereditary neoplastic syndrome; Hereditary Cancer Syndrome. Identifiers: Orphanet 140162, MedGen C0027672, MeSH D009386, MONDO:0015356.
Multiple endocrine neoplasia, type 1 (MEN1). Also called: MEN I; WERMER SYNDROME; Endocrine adenomatosis multiple; MEN 1; MEA I. Identifiers: Orphanet 652, MedGen C0025267, MeSH D018761, MONDO:0007540, OMIM 131100.

Submissions (3):

Women's Health and Genetics/Laboratory Corporation of America, LabCorp
Classification: Pathogenic for Multiple endocrine neoplasia, type 1. Last evaluated: 2026-01-08. Review status: criteria provided, single submitter. Criteria: LabCorp Variant Classification Summary - May 2015. Collection method: clinical testing. Allele origin: germline.
Comment: Variant summary: MEN1 c.1006dupG (p.Glu336GlyfsX31) results in a premature termination codon, predicted to cause a truncation of the encoded protein or absence of the protein due to nonsense mediated decay, which are commonly known mechanisms for disease. The variant was absent in 251470 control chromosomes. c.1006dupG has been observed in at least one individual affected with Multiple Endocrine Neoplasia Type 1 (example: Mandl_2021). To our knowledge, no experimental evidence demonstrating an impact on protein function has been reported. The following publication has been ascertained in the context of this evaluation (PMID: 34515662). ClinVar contains an entry for this variant (Variation ID: 1068797). Based on the evidence outlined above, the variant was classified as pathogenic.

Ambry Genetics
Classification: Pathogenic for Hereditary cancer-predisposing syndrome. Last evaluated: 2024-08-01. Review status: criteria provided, single submitter. Criteria: Ambry Variant Classification Scheme 2023. Collection method: clinical testing. Allele origin: germline.
Comment: The c.1006dupG pathogenic mutation, located in coding exon 6 of the MEN1 gene, results from a duplication of G at nucleotide position 1006, causing a translational frameshift with a predicted alternate stop codon (p.E336Gfs*31). This variant is considered to be rare based on population cohorts in the Genome Aggregation Database (gnomAD). This alteration is expected to result in loss of function by premature protein truncation or nonsense-mediated mRNA decay. As such, this alteration is interpreted as a disease-causing mutation.

Labcorp Genetics (formerly Invitae), Labcorp
Classification: Pathogenic for Multiple endocrine neoplasia, type 1. Last evaluated: 2024-05-23. Review status: criteria provided, single submitter. Criteria: Invitae Variant Classification Sherloc (09022015). Collection method: clinical testing. Allele origin: germline.
Comment: This sequence change creates a premature translational stop signal (p.Glu336Glyfs*31) in the MEN1 gene. It is expected to result in an absent or disrupted protein product. Loss-of-function variants in MEN1 are known to be pathogenic (PMID: 12112656, 17853334). This variant is not present in population databases (gnomAD no frequency). This variant has not been reported in the literature in individuals affected with MEN1-related conditions. ClinVar contains an entry for this variant (Variation ID: 1068797). Algorithms developed to predict the effect of sequence changes on RNA splicing suggest that this variant may disrupt the consensus splice site. For these reasons, this variant has been classified as Pathogenic.

Literature cited by the submitters: PubMed 34515662 (cited by Women's Health and Genetics/Laboratory Corporation of America, LabCorp); PubMed 12112656 (cited by Labcorp Genetics (formerly Invitae), Labcorp); PubMed 17853334 (cited by Labcorp Genetics (formerly Invitae), Labcorp).

NM_001370259.2(MEN1):c.1006dup (p.Glu336fs)

Gene: MEN1 (menin 1; minus strand). Cytogenetic location: 11q13.1.
Variant type: Duplication.
Coding change: c.1006dup on transcript NM_001370259.2 (MANE Select); coding-DNA position 1006, one base duplicated (G; older notation c.1006dupG).
Protein change: p.Glu336fs; shifts the reading frame from glutamic acid 336.
Molecular consequence: frameshift variant.
Genome position (GRCh38, 1-based): chr11:64,806,275, C duplicated on the plus strand (G on the coding strand, the reverse complement: MEN1 is on the minus strand); the first of 3 consecutive C bases (chr11:64,806,275-64,806,277); duplicating any one gives the same sequence. VCF-style (leftmost placement, unchanged base first): chr11-64806274-T-TC. GRCh37 (hg19) VCF-style: chr11-64573746-T-TC.
Other names: c.1006dupG (NM_130799.3); c.1021dup, p.Glu341fs (NM_000244.4, NM_130800.3, NM_130801.3 and 3 more transcripts); c.1006dup, p.Glu336fs (NM_001370251.2, NM_001370260.2, NM_001370261.2 and 1 more transcripts); c.901dup, p.Glu301fs (NM_001370262.2, NM_001370263.2); short protein forms E301fs, E336fs, E341fs.
Identifiers: ClinVar variation 1068797 (VCV001068797.10), dbSNP rs2136119153, ClinGen allele CA2499221154.